The following is an entry in ClinVar:

NM_001374828.1(ARID1B):c.2766del (p.Tyr923fs)

Gene: ARID1B (AT-rich interaction domain 1B; plus strand). Cytogenetic location: 6q25.3.
Variant type: Deletion.
Coding change: c.2766del on transcript NM_001374828.1 (MANE Select); coding-DNA position 2766, one base deleted (C; older notation c.2766delC).
Protein change: p.Tyr923fs; shifts the reading frame from tyrosine 923.
Molecular consequence: frameshift variant.
Genome position (GRCh38, 1-based): chr6:157,148,628, C deleted. VCF-style (leftmost placement, unchanged base first): chr6-157148627-AC-A. GRCh37 (hg19) VCF-style: chr6-157469761-AC-A.
Other names: c.267del, p.Tyr90fs (NM_001363725.2, NM_001438488.1); c.2805del, p.Tyr936fs (NM_001371656.1, NM_001374820.1); c.2766del, p.Tyr923fs (NM_001438482.1, NM_017519.3); c.2808del, p.Tyr937fs (NM_001438483.1, NM_001438486.1); c.2676del, p.Tyr893fs (NM_001438485.1); c.2586del, p.Tyr863fs (NM_001438487.1); c.2556delC (NM_020732.3); short protein forms Y893fs, Y936fs, Y937fs, Y863fs, Y923fs, Y90fs.
Identifiers: ClinVar variation 5002643 (VCV005002643.1).

ClinVar aggregate classification (germline): Likely pathogenic (1 of 4 stars; one submission).

Conditions:
ARID1B-Related Disorder. Identifiers: MedGen CN381337.

Submission:

PreventionGenetics, part of Exact Sciences
Classification: Likely pathogenic for ARID1B-related condition. Last evaluated: 2025-02-07. Review status: criteria provided, single submitter. Criteria: ACMG Guidelines, 2015. Collection method: clinical testing. Allele origin: germline.
Comment: The ARID1B c.2556delC variant is predicted to result in a frameshift and premature protein termination (p.Tyr853Thrfs*61). To our knowledge, this variant has not been reported in the literature or in a large population database (gnomAD), indicating this variant is rare. Frameshift variants in ARID1B are expected to be pathogenic. This variant is interpreted as likely pathogenic.